The following is an entry in ClinVar:

NM_007294.4(BRCA1):c.98_105del (p.Glu33fs)

Gene: BRCA1 (BRCA1 DNA repair associated; minus strand). Cytogenetic location: 17q21.31.
Variant type: Deletion.
Coding change: c.98_105del on transcript NM_007294.4 (MANE Select); coding-DNA positions 98 to 105, 8 bases deleted (AACCTGTC; older notation c.98_105delAACCTGTC).
Protein change: p.Glu33fs; shifts the reading frame from glutamic acid 33.
Molecular consequence: frameshift variant. On other transcripts: non-coding transcript variant (1), intron variant (1).
Genome position (GRCh38, 1-based): chr17:43,115,755-43,115,762, GACAGGTT deleted on the plus strand (AACCTGTC on the coding strand, the reverse complement: BRCA1 is on the minus strand). VCF-style (leftmost placement, unchanged base first): chr17-43115754-AGACAGGTT-A. GRCh37 (hg19) VCF-style: chr17-41267771-AGACAGGTT-A.
Other names: 217del8; c.98_105delAACCTGTC, p.Glu33Valfs (NM_001408421.1, NM_001408422.1, NM_001408423.1 and 191 more transcripts); c.-44_-37delAACCTGTC (NM_001408452.1, NM_001408453.1, NM_001408458.1 and 47 more transcripts); c.-160_-153delAACCTGTC (NM_001408455.1, NM_001408456.1, NM_001408468.1 and 13 more transcripts); c.-164_-157delAACCTGTC (NM_001408465.1, NM_001407695.1); c.-91_-84delAACCTGTC (NM_001408478.1, NM_001408479.1, NM_001408480.1 and 52 more transcripts); c.-207_-200delAACCTGTC (NM_001408492.1, NM_001407889.1, NM_001407900.1); c.-206_-199delAACCTGTC (NM_001408510.1, NM_001408512.1, NM_001407960.1 and 1 more transcripts); and 4 more; short protein forms E33fs.
Identifiers: ClinVar variation 266600 (VCV000266600.6), dbSNP rs886040338, ClinGen allele CA10590038.

ClinVar aggregate classification (germline): Pathogenic. Review status: reviewed by expert panel (3 of 4 stars). 2 submissions from 2 submitters: Pathogenic (1). 1 of the submissions does not count toward it. Last evaluated 2016-10-18.

Conditions:
Breast-ovarian cancer, familial, susceptibility to, 1 (BROVCA1). Also called: BRCA1 Hereditary Breast and Ovarian Cancer; OVARIAN CANCER, SUSCEPTIBILITY TO. Identifiers: Orphanet 145, MedGen C2676676, MONDO:0011450, OMIM 604370. Disease mechanism: loss of function.

Submissions (2):

Evidence-based Network for the Interpretation of Germline Mutant Alleles (ENIGMA)
Classification: Pathogenic for Breast-ovarian cancer, familial, susceptibility to, 1. Last evaluated: 2016-10-18. Review status: reviewed by expert panel. Criteria: ENIGMA BRCA1/2 Classification Criteria (2015). Collection method: curation. Allele origin: germline.
Comment: Variant allele predicted to encode a truncated non-functional protein.

Consortium of Investigators of Modifiers of BRCA1/2 (CIMBA), c/o University of Cambridge
Classification: Pathogenic for Breast-ovarian cancer, familial, susceptibility to, 1. Last evaluated: 2015-10-02. Review status: criteria provided, single submitter. Criteria: CIMBA Mutation Classification guidelines May 2016. Collection method: clinical testing. Allele origin: germline. Not counted in ClinVar's aggregate classification.